The following is an entry in ClinVar:

ClinVar aggregate classification (germline): Uncertain significance (1 of 4 stars; one submission).

Conditions:
Cardiovascular phenotype. Identifiers: MedGen CN230736.

Submission:

Ambry Genetics
Classification: Uncertain significance for Cardiovascular phenotype. Last evaluated: 2025-07-03. Review status: criteria provided, single submitter. Criteria: Ambry Variant Classification Scheme 2023. Collection method: clinical testing. Allele origin: germline.
Comment: The p.V121A variant (also known as c.362T>C), located in coding exon 1 of the FKRP gene, results from a T to C substitution at nucleotide position 362. The valine at codon 121 is replaced by alanine, an amino acid with similar properties. This amino acid position is conserved. In addition, the in silico prediction for this alteration is inconclusive. Based on the available evidence, the clinical significance of this variant remains unclear.

NM_024301.5(FKRP):c.362T>C (p.Val121Ala)

Gene: FKRP (fukutin related protein; plus strand). Cytogenetic location: 19q13.32.
Variant type: single nucleotide variant.
Coding change: c.362T>C on transcript NM_024301.5 (MANE Select); coding-DNA position 362, T replaced by C.
Protein change: p.Val121Ala; replaces valine 121 with alanine.
Molecular consequence: missense variant.
Genome position (GRCh38, 1-based): chr19:46,755,812, T>C. VCF-style: chr19-46755812-T-C. GRCh37 (hg19) VCF-style: chr19-47259069-T-C.
Other names: c.362T>C, p.Val121Ala (NM_001039885.3); short protein forms V121A.
Identifiers: ClinVar variation 4257863 (VCV004257863.1).